The following is an entry in ClinVar:

NM_001009999.3(KDM1A):c.1931C>T (p.Ala644Val)

Gene: KDM1A (lysine demethylase 1A; plus strand). Cytogenetic location: 1p36.12.
Variant type: single nucleotide variant.
Coding change: c.1931C>T on transcript NM_001009999.3 (MANE Select); coding-DNA position 1931, C replaced by T.
Protein change: p.Ala644Val; replaces alanine 644 with valine.
Molecular consequence: missense variant.
Genome position (GRCh38, 1-based): chr1:23,079,053, C>T. VCF-style: chr1-23079053-C-T. GRCh37 (hg19) VCF-style: chr1-23405546-C-T.
Other names: c.1877C>T, p.Ala626Val (NM_001363654.2); c.1937C>T, p.Ala646Val (NM_001410762.1); c.1859C>T, p.Ala620Val (NM_001410763.1, NM_015013.4); c.1931C>T (NM_001009999.2); short protein forms A626V, A644V, A646V, A620V.
Identifiers: ClinVar variation 2845810 (VCV002845810.5), dbSNP rs1463503040, ClinGen allele CA338970969.

ClinVar aggregate classification (germline): Uncertain significance. Review status: criteria provided, multiple submitters, no conflicts (2 of 4 stars). 2 submissions from 2 submitters: Uncertain significance (2). Last evaluated 2025-10-23.

Conditions:
Inborn genetic diseases. Identifiers: MedGen C0950123, MeSH D030342.

Allele frequency attached by ClinVar (database versions not stated): gnomAD exomes below 0.00001; gnomAD 0.00001; TOPMed 0.00001.
gnomAD v4.1: 5 of 1,614,040 alleles (0.00031%); highest among the groups gnomAD compares: Non-Finnish European, 0.00042%; no homozygotes.

Submissions (2):

Ambry Genetics
Classification: Uncertain significance for Inborn genetic diseases. Last evaluated: 2025-10-23. Review status: criteria provided, single submitter. Criteria: Ambry Variant Classification Scheme 2023. Collection method: clinical testing. Allele origin: germline.

Labcorp Genetics (formerly Invitae), Labcorp
Classification: Uncertain significance. Last evaluated: 2024-04-29. Review status: criteria provided, single submitter. Criteria: Invitae Variant Classification Sherloc (09022015). Collection method: clinical testing. Allele origin: germline.
Comment: This sequence change replaces alanine, which is neutral and non-polar, with valine, which is neutral and non-polar, at codon 644 of the KDM1A protein (p.Ala644Val). This variant is present in population databases (no rsID available, gnomAD 0.0009%). This variant has not been reported in the literature in individuals affected with KDM1A-related conditions. Advanced modeling of protein sequence and biophysical properties (such as structural, functional, and spatial information, amino acid conservation, physicochemical variation, residue mobility, and thermodynamic stability) performed at Invitae indicates that this missense variant is not expected to disrupt KDM1A protein function with a negative predictive value of 80%. In summary, the available evidence is currently insufficient to determine the role of this variant in disease. Therefore, it has been classified as a Variant of Uncertain Significance.